The following is an entry in ClinVar:

ClinVar aggregate classification (germline): Uncertain significance (1 of 4 stars; one submission).

Conditions:
Renal coloboma syndrome (PAPRS). Also called: PAPILLORENAL SYNDROME; COLOBOMA OF OPTIC NERVE WITH RENAL DISEASE; OPTIC COLOBOMA, VESICOURETERAL REFLUX, AND RENAL ANOMALIES; OPTIC NERVE COLOBOMA WITH RENAL DISEASE; RENAL-COLOBOMA SYNDROME WITH MACULAR ABNORMALITIES; PAPILLORENAL SYNDROME WITH MILD OCULAR ABNORMALITIES. Identifiers: Orphanet 1475, MedGen C1852759, MONDO:0007352, OMIM 120330.
Focal segmental glomerulosclerosis 7 (FSGS7). Identifiers: Orphanet 656, MedGen C4014925, MONDO:0014451, OMIM 616002.

gnomAD v4.1: 1 of 1,613,024 alleles (0.000062%); no homozygotes.

Submission:

Labcorp Genetics (formerly Invitae), Labcorp
Classification: Uncertain significance for Renal coloboma syndrome; Focal segmental glomerulosclerosis 7. Last evaluated: 2024-08-31. Review status: criteria provided, single submitter. Criteria: Invitae Variant Classification Sherloc (09022015). Collection method: clinical testing. Allele origin: germline.
Comment: This sequence change falls in intron 7 of the PAX2 gene. It does not directly change the encoded amino acid sequence of the PAX2 protein. It affects a nucleotide within the consensus splice site. This variant is not present in population databases (gnomAD no frequency). This variant has not been reported in the literature in individuals affected with PAX2-related conditions. Variants that disrupt the consensus splice site are a relatively common cause of aberrant splicing (PMID: 17576681, 9536098). Algorithms developed to predict the effect of sequence changes on RNA splicing suggest that this variant may disrupt the consensus splice site. In summary, the available evidence is currently insufficient to determine the role of this variant in disease. Therefore, it has been classified as a Variant of Uncertain Significance.

Literature cited by the submitters: PubMed 17576681; PubMed 9536098.

NM_000278.5(PAX2):c.919+5G>C

Gene: PAX2 (paired box 2; plus strand). Cytogenetic location: 10q24.31.
Variant type: single nucleotide variant.
Coding change: c.919+5G>C on transcript NM_000278.5 (MANE Select); 5 bases into the intron after coding-DNA position 919, G replaced by C.
Molecular consequence: intron variant.
Genome position (GRCh38, 1-based): chr10:100,809,241, G>C. VCF-style: chr10-100809241-G-C. GRCh37 (hg19) VCF-style: chr10-102568998-G-C.
Other names: c.1012+5G>C (NM_001304569.2); c.988+5G>C (NM_003987.5, NM_003990.5); c.919+5G>C (NM_003988.5, NM_003989.5).
Identifiers: ClinVar variation 3749806 (VCV003749806.2).